The following is an entry in ClinVar:

ClinVar aggregate classification (germline): Uncertain significance (1 of 4 stars; one submission).

Submission:

GeneDx
Classification: Uncertain significance. Last evaluated: 2024-04-11. Review status: criteria provided, single submitter. Criteria: GeneDx Variant Classification Process June 2021. Collection method: clinical testing. Allele origin: germline. Affected: yes.
Comment: Not observed at significant frequency in large population cohorts (gnomAD); In-frame duplication of 3 amino acids in a non-repeat region; Has not been previously published as pathogenic or benign to our knowledge; In silico analysis suggests this variant may impact gene splicing. In the absence of RNA/functional studies, the actual effect of this sequence change is unknown.

NM_001371623.1(TCOF1):c.1857_1865dup (p.Glu621_Glu622insAspSerGlu)

Gene: TCOF1 (treacle ribosome biogenesis factor 1; plus strand). Cytogenetic location: 5q32.
Variant type: Duplication.
Coding change: c.1857_1865dup on transcript NM_001371623.1 (MANE Select); coding-DNA positions 1857 to 1865, 9 bases duplicated (CAGTGAGGA; older notation c.1857_1865dupCAGTGAGGA).
Protein change: p.Glu621_Glu622insAspSerGlu.
Genome position (GRCh38, 1-based): chr5:150,375,873-150,375,881, CAGTGAGGA duplicated; duplicating any 9 consecutive bases within chr5:150,375,870-150,375,881 gives the same sequence; the c. name uses the placement nearest the transcript's 3' end. VCF-style (leftmost placement, unchanged base first): chr5-150375869-C-CGGACAGTGA. GRCh37 (hg19) VCF-style: chr5-149755432-C-CGGACAGTGA.
Other names: c.1626_1634dup, p.Glu544_Glu545insAspSerGlu (NM_000356.4, NM_001135245.2); c.1857_1865dup, p.Glu621_Glu622insAspSerGlu (NM_001008657.3, NM_001135243.2, NM_001135244.2 and 1 more transcripts).
Identifiers: ClinVar variation 3372278 (VCV003372278.1).
Genomic context (GRCh38, chr5:150,375,869, plus strand): 5'-AGGTCAAGGCTGAAAAGCCCATGGACAACTCGGAGAGCAGCGAGGAGTCATCGGACAGTG[C>CGGACAGTGA]GGACAGTGAGGAGGCACCAGCAGCCATGACTGCAGCTCAGGTGAGGCCTGGGGAAGGAGG-3'